The following is an entry in ClinVar:

ClinVar aggregate classification (germline): Conflicting classifications of pathogenicity. Review status: criteria provided, conflicting classifications (1 of 4 stars). 5 submissions from 5 submitters: Uncertain significance (4); Likely benign (1). Last evaluated 2024-07-20.

Conditions:
Hereditary cancer-predisposing syndrome. Also called: Hereditary neoplastic syndrome; Neoplastic Syndromes, Hereditary; Tumor predisposition; Hereditary Cancer Syndrome. Identifiers: Orphanet 140162, MedGen C0027672, MeSH D009386, MONDO:0015356.
Malignant tumor of urinary bladder. Also called: Bladder cancer; Urinary Bladder Neoplasms; Urinary bladder cancer. Identifiers: MedGen C0005684, MONDO:0001187, OMIM 109800.
Retinoblastoma (RB1). Also called: RETINOBLASTOMA, SOMATIC. Identifiers: Orphanet 790, MedGen C0035335, MeSH D012175, MONDO:0008380, OMIM 180200, HP:0009919. Disease mechanism: loss of function. Inheritance: Both sporadic and heritable forms are tested..

Allele frequency attached by ClinVar (database versions not stated): gnomAD exomes below 0.00001; TOPMed 0.00002; gnomAD 0.00003.

Submissions (5):

All of Us Research Program, National Institutes of Health
Classification: Uncertain significance for Retinoblastoma. Last evaluated: 2024-07-20. Review status: criteria provided, single submitter. Criteria: ACMG Guidelines, 2015. Collection method: clinical testing. Allele origin: germline. Inheritance: Autosomal dominant inheritance. Observed: 1 variant allele, 1 heterozygote.
Comment: This missense variant replaces isoleucine with valine at codon 782 of the RB1 protein. Computational prediction is inconclusive regarding the impact of this variant on protein structure and function (internally defined REVEL score threshold 0.5 < inconclusive < 0.7, PMID: 27666373). To our knowledge, functional studies have not been reported for this variant. This variant has not been reported in individuals affected with hereditary cancer in the literature. This variant has been identified in 3/282722 chromosomes in the general population by the Genome Aggregation Database (gnomAD). The available evidence is insufficient to determine the role of this variant in disease conclusively. Therefore, this variant is classified as a Variant of Uncertain Significance.

This study involves interpretation of variants in research participants for the purpose of population health screening. Participant phenotype was not available at the time of variant classification. Additional details can be found in publication PMID: 35346344, PMCID: PMC8962531

Color Diagnostics, LLC DBA Color Health
Classification: Uncertain significance for Retinoblastoma. Last evaluated: 2024-07-11. Review status: criteria provided, single submitter. Criteria: ACMG Guidelines, 2015. Collection method: clinical testing. Allele origin: germline.
Comment: This missense variant replaces isoleucine with valine at codon 782 of the RB1 protein. Computational prediction is inconclusive regarding the impact of this variant on protein structure and function. To our knowledge, functional studies have not been reported for this variant. This variant has not been reported in individuals affected with RB1-related disorders in the literature. This variant has been identified in 3/282722 chromosomes in the general population by the Genome Aggregation Database (gnomAD). The available evidence is insufficient to determine the role of this variant in disease conclusively. Therefore, this variant is classified as a Variant of Uncertain Significance.

Labcorp Genetics (formerly Invitae), Labcorp
Classification: Likely benign for Retinoblastoma. Last evaluated: 2024-05-15. Review status: criteria provided, single submitter. Criteria: Invitae Variant Classification Sherloc (09022015). Collection method: clinical testing. Allele origin: germline.

Ambry Genetics
Classification: Uncertain significance for Hereditary cancer-predisposing syndrome. Last evaluated: 2024-05-08. Review status: criteria provided, single submitter. Criteria: Ambry Variant Classification Scheme 2023. Collection method: clinical testing. Allele origin: germline.
Comment: The p.I782V variant (also known as c.2344A>G), located in coding exon 23 of the RB1 gene, results from an A to G substitution at nucleotide position 2344. The isoleucine at codon 782 is replaced by valine, an amino acid with highly similar properties. This amino acid position is highly conserved in available vertebrate species. In addition, the in silico prediction for this alteration is inconclusive. Since supporting evidence is limited at this time, the clinical significance of this alteration remains unclear.

Baylor Genetics
Classification: Uncertain significance for Malignant tumor of urinary bladder. Last evaluated: 2024-03-27. Review status: criteria provided, single submitter. Criteria: ACMG Guidelines, 2015. Collection method: clinical testing. Allele origin: unknown.

NM_000321.3(RB1):c.2344A>G (p.Ile782Val)

Gene: RB1 (RB transcriptional corepressor 1; plus strand). Cytogenetic location: 13q14.2.
Variant type: single nucleotide variant.
Coding change: c.2344A>G on transcript NM_000321.3 (MANE Select); coding-DNA position 2344, A replaced by G.
Protein change: p.Ile782Val; replaces isoleucine 782 with valine.
Molecular consequence: missense variant.
Genome position (GRCh38, 1-based): chr13:48,465,223, A>G. VCF-style: chr13-48465223-A-G. GRCh37 (hg19) VCF-style: chr13-49039359-A-G.
Other names: short protein forms I782V.
Identifiers: ClinVar variation 834609 (VCV000834609.16), dbSNP rs1283644725, ClinGen allele CA388167785.